The following is an entry in ClinVar:

NM_006767.4(LZTR1):c.356A>G (p.Tyr119Cys)

Gene: LZTR1 (leucine zipper like post translational regulator 1; plus strand). Cytogenetic location: 22q11.21.
Variant type: single nucleotide variant.
Coding change: c.356A>G on transcript NM_006767.4 (MANE Select); coding-DNA position 356, A replaced by G.
Protein change: p.Tyr119Cys; replaces tyrosine 119 with cysteine.
Molecular consequence: missense variant.
Genome position (GRCh38, 1-based): chr22:20,987,539, A>G. VCF-style: chr22-20987539-A-G. GRCh37 (hg19) VCF-style: chr22-21341828-A-G.
Other names: short protein forms Y119C.
Identifiers: ClinVar variation 2138417 (VCV002138417.4), dbSNP rs2518612494, ClinGen allele CA501017.

ClinVar aggregate classification (germline): Pathogenic (1 of 4 stars; one submission).

Submission:

Labcorp Genetics (formerly Invitae), Labcorp
Classification: Pathogenic. Last evaluated: 2022-08-20. Review status: criteria provided, single submitter. Criteria: Invitae Variant Classification Sherloc (09022015). Collection method: clinical testing. Allele origin: germline.
Comment: Algorithms developed to predict the effect of missense changes on protein structure and function (SIFT, PolyPhen-2, Align-GVGD) all suggest that this variant is likely to be disruptive. This missense change has been observed in individual(s) with autosomal dominant Noonan syndrome (PMID: 25795793). In at least one individual the variant was observed to be de novo. This variant is not present in population databases (gnomAD no frequency). This sequence change replaces tyrosine, which is neutral and polar, with cysteine, which is neutral and slightly polar, at codon 119 of the LZTR1 protein (p.Tyr119Cys). This variant disrupts the p.Tyr119 amino acid residue in LZTR1. Other variant(s) that disrupt this residue have been determined to be pathogenic (PMID: 32514133). This suggests that this residue is clinically significant, and that variants that disrupt this residue are likely to be disease-causing. For these reasons, this variant has been classified as Pathogenic.

Literature cited by the submitters: PubMed 25795793; PubMed 32514133.